The following is an entry in ClinVar:

ClinVar aggregate classification (germline): Uncertain significance. Review status: criteria provided, multiple submitters, no conflicts (2 of 4 stars). 3 submissions from 3 submitters: Uncertain significance (3). Last evaluated 2024-06-25.

Conditions:
Pheochromocytoma. Also called: MAX-Related Hereditary Paraganglioma-Pheochromocytoma Syndrome. Identifiers: Orphanet 29072, MedGen C0031511, MONDO:0008233, OMIM 171300, HP:0002666.
Hereditary pheochromocytoma and paraganglioma. Also called: Hereditary Paraganglioma-Pheochromocytoma Syndromes; Hereditary paragangliomas and pheochromocytomas; Hereditary pheochromocytoma-paraganglioma. Identifiers: Orphanet 29072, MedGen C4274332, MONDO:0017366.
Hereditary cancer-predisposing syndrome. Also called: Neoplastic Syndromes, Hereditary; Hereditary Cancer Syndrome; Tumor predisposition; Hereditary neoplastic syndrome. Identifiers: Orphanet 140162, MedGen C0027672, MeSH D009386, MONDO:0015356.

Allele frequency attached by ClinVar (database versions not stated): TOPMed below 0.00001; gnomAD exomes 0.00001.
gnomAD v4.1: 11 of 1,613,958 alleles (0.00068%); highest among the groups gnomAD compares: Non-Finnish European, 0.00093%; no homozygotes.

Submissions (3):

Labcorp Genetics (formerly Invitae), Labcorp
Classification: Uncertain significance for Hereditary pheochromocytoma and paraganglioma. Last evaluated: 2024-06-25. Review status: criteria provided, single submitter. Criteria: Invitae Variant Classification Sherloc (09022015). Collection method: clinical testing. Allele origin: germline.
Comment: This sequence change replaces glutamic acid, which is acidic and polar, with lysine, which is basic and polar, at codon 223 of the TMEM127 protein (p.Glu223Lys). This variant is not present in population databases (gnomAD no frequency). This variant has not been reported in the literature in individuals affected with TMEM127-related conditions. ClinVar contains an entry for this variant (Variation ID: 532524). An algorithm developed to predict the effect of missense changes on protein structure and function (PolyPhen-2) suggests that this variant is likely to be tolerated. In summary, the available evidence is currently insufficient to determine the role of this variant in disease. Therefore, it has been classified as a Variant of Uncertain Significance.

Ambry Genetics
Classification: Uncertain significance for Hereditary cancer-predisposing syndrome. Last evaluated: 2024-06-22. Review status: criteria provided, single submitter. Criteria: Ambry Variant Classification Scheme 2023. Collection method: clinical testing. Allele origin: germline.
Comment: The p.E223K variant (also known as c.667G>A), located in coding exon 3 of the TMEM127 gene, results from a G to A substitution at nucleotide position 667. The glutamic acid at codon 223 is replaced by lysine, an amino acid with similar properties. This amino acid position is conserved. In addition, the in silico prediction for this alteration is inconclusive. Since supporting evidence is limited at this time, the clinical significance of this alteration remains unclear.

Department of Pathology and Laboratory Medicine, Sinai Health System
Classification: Uncertain significance for Pheochromocytoma. Last evaluated: 2020-06-01. Review status: criteria provided, single submitter. Criteria: ACMG Guidelines, 2015. Collection method: research. Allele origin: germline.

NM_017849.4(TMEM127):c.667G>A (p.Glu223Lys)

Gene: TMEM127 (transmembrane protein 127; minus strand). Cytogenetic location: 2q11.2.
Variant type: single nucleotide variant.
Coding change: c.667G>A on transcript NM_017849.4 (MANE Select); coding-DNA position 667, G replaced by A.
Protein change: p.Glu223Lys; replaces glutamic acid 223 with lysine.
Molecular consequence: missense variant.
Genome position (GRCh38, 1-based): chr2:96,253,858, C>T on the plus strand (G>A on the coding strand, the complement: TMEM127 is on the minus strand). VCF-style: chr2-96253858-C-T. GRCh37 (hg19) VCF-style: chr2-96919596-C-T.
Other names: c.667G>A, p.Glu223Lys (NM_001193304.3); short protein forms E223K.
Identifiers: ClinVar variation 532524 (VCV000532524.15), dbSNP rs779910556, ClinGen allele CA52411904.